The following is an entry in ClinVar:

ClinVar aggregate classification (germline): Uncertain significance (1 of 4 stars; one submission).

Submission:

Ambry Genetics
Classification: Uncertain significance. Last evaluated: 2023-12-21. Review status: criteria provided, single submitter. Criteria: Ambry Variant Classification Scheme 2023. Collection method: clinical testing. Allele origin: germline.
Comment: The p.F894S variant (also known as c.2681T>C), located in coding exon 4 of the ALPK2 gene, results from a T to C substitution at nucleotide position 2681. The phenylalanine at codon 894 is replaced by serine, an amino acid with highly dissimilar properties. This amino acid position is conserved. In addition, this alteration is predicted to be tolerated by in silico analysis. Since supporting evidence is limited at this time, the clinical significance of this alteration remains unclear.

NM_052947.4(ALPK2):c.2681T>C (p.Phe894Ser)

Gene: ALPK2 (alpha kinase 2; minus strand). Cytogenetic location: 18q21.31.
Variant type: single nucleotide variant.
Coding change: c.2681T>C on transcript NM_052947.4 (MANE Select); coding-DNA position 2681, T replaced by C.
Protein change: p.Phe894Ser; replaces phenylalanine 894 with serine.
Molecular consequence: missense variant.
Genome position (GRCh38, 1-based): chr18:58,537,506, A>G on the plus strand (T>C on the coding strand, the complement: ALPK2 is on the minus strand). VCF-style: chr18-58537506-A-G. GRCh37 (hg19) VCF-style: chr18-56204738-A-G.
Other names: short protein forms F894S.
Identifiers: ClinVar variation 3228639 (VCV003228639.1), dbSNP rs2051658596, ClinGen allele CA402570009.